The following is an entry in ClinVar:

NM_002693.3(POLG):c.3197C>T (p.Thr1066Met)

Gene: POLG (DNA polymerase gamma, catalytic subunit; minus strand). Cytogenetic location: 15q26.1.
Variant type: single nucleotide variant.
Coding change: c.3197C>T on transcript NM_002693.3 (MANE Select); coding-DNA position 3197, C replaced by T.
Protein change: p.Thr1066Met; replaces threonine 1066 with methionine.
Molecular consequence: missense variant.
Genome position (GRCh38, 1-based): chr15:89,319,007, G>A on the plus strand (C>T on the coding strand, the complement: POLG is on the minus strand). VCF-style: chr15-89319007-G-A. GRCh37 (hg19) VCF-style: chr15-89862238-G-A.
Other names: c.3197C>T, p.Thr1066Met (NM_001126131.2); short protein forms T1066M.
Identifiers: ClinVar variation 317325 (VCV000317325.10), dbSNP rs750794449, ClinGen allele CA7724211.

ClinVar aggregate classification (germline): Uncertain significance. Review status: criteria provided, multiple submitters, no conflicts (2 of 4 stars). 3 submissions from 3 submitters: Uncertain significance (3). Last evaluated 2026-07-01.

Conditions:
POLG-related disorder. Also called: POLG-Related Spectrum Disorders; POLG-related condition; POLG-Related Disorders. Identifiers: MedGen C4763519.

Allele frequency attached by ClinVar (database versions not stated): gnomAD exomes 0.00001 and 0.00002; TOPMed 0.00001; ExAC 0.00002; gnomAD 0.00003.
gnomAD v4.1: 15 of 1,614,100 alleles (0.00093%); highest among the groups gnomAD compares: Middle Eastern, 0.016%; no homozygotes.

Submissions (3):

CeGaT Center for Human Genetics Tuebingen
Classification: Uncertain significance. Last evaluated: 2026-07-01. Review status: criteria provided, single submitter. Criteria: CeGaT Center For Human Genetics Tuebingen Variant Classification Criteria Version 2. Collection method: clinical testing. Allele origin: germline. Affected: yes. Observed: 1 variant allele.
Comment: POLG: PM2

Eurofins Ntd Llc (ga)
Classification: Uncertain significance. Last evaluated: 2018-01-30. Review status: criteria provided, single submitter. Criteria: EGL Classification Definitions 2015. Collection method: clinical testing. Allele origin: germline. Observed: 1 variant allele, 1 heterozygote.

Illumina Laboratory Services, Illumina
Classification: Uncertain significance for POLG-Related Spectrum Disorders. Last evaluated: 2018-01-12. Review status: criteria provided, single submitter. Criteria: ICSL Variant Classification Criteria 13 December 2019. Collection method: clinical testing. Allele origin: germline.